The following is an entry in ClinVar:

ClinVar aggregate classification (germline): Uncertain significance (1 of 4 stars; one submission).

Conditions:
Oligodontia-cancer predisposition syndrome. Also called: TOOTH AGENESIS-COLORECTAL CANCER SYNDROME. Identifiers: Orphanet 300576, MedGen C1837750, MONDO:0012075, OMIM 608615. Disease mechanism: loss of function.

Submission:

Labcorp Genetics (formerly Invitae), Labcorp
Classification: Uncertain significance for Oligodontia-cancer predisposition syndrome. Last evaluated: 2025-06-09. Review status: criteria provided, single submitter. Criteria: Invitae Variant Classification Sherloc (09022015). Collection method: clinical testing. Allele origin: germline.
Comment: This variant, c.1953_1958del, results in the deletion of 2 amino acid(s) of the AXIN2 protein (p.Ser652_Pro653del), but otherwise preserves the integrity of the reading frame. This variant is not present in population databases (gnomAD no frequency). This variant has not been reported in the literature in individuals affected with AXIN2-related conditions. ClinVar contains an entry for this variant (Variation ID: 1022599). Experimental studies and prediction algorithms are not available or were not evaluated, and the functional significance of this variant is currently unknown. In summary, the available evidence is currently insufficient to determine the role of this variant in disease. Therefore, it has been classified as a Variant of Uncertain Significance.

NM_004655.4(AXIN2):c.1953_1958del (p.Ser652_Pro653del)

Gene: AXIN2 (axin 2; minus strand). Cytogenetic location: 17q24.1.
Variant type: Deletion.
Coding change: c.1953_1958del on transcript NM_004655.4 (MANE Select); coding-DNA positions 1953 to 1958, 6 bases deleted (GTCTCC; older notation c.1953_1958delGTCTCC).
Protein change: p.Ser652_Pro653del.
Molecular consequence: inframe deletion.
Genome position (GRCh38, 1-based): chr17:65,536,503-65,536,508, GGAGAC deleted on the plus strand (GTCTCC on the coding strand, the reverse complement: AXIN2 is on the minus strand); deleting any 6 consecutive bases within chr17:65,536,503-65,536,509 gives the same sequence; the c. name uses the placement nearest the transcript's 3' end. VCF-style (leftmost placement, unchanged base first): chr17-65536502-TGGAGAC-T. GRCh37 (hg19) VCF-style: chr17-63532620-TGGAGAC-T.
Other names: c.1758_1763del, p.Ser587_Pro588del (NM_001363813.1).
Identifiers: ClinVar variation 1022599 (VCV001022599.8), dbSNP rs2043920574, ClinGen allele CA2270883438.